The following is an entry in ClinVar:

NM_032977.4(CASP10):c.953G>A (p.Gly318Glu)

Gene: CASP10 (caspase 10; plus strand). Cytogenetic location: 2q33.1.
Variant type: single nucleotide variant.
Coding change: c.953G>A on transcript NM_032977.4 (MANE Select); coding-DNA position 953, G replaced by A.
Protein change: p.Gly318Glu; replaces glycine 318 with glutamic acid.
Molecular consequence: missense variant. On other transcripts: 3 prime UTR variant (1).
Genome position (GRCh38, 1-based): chr2:201,209,100, G>A. VCF-style: chr2-201209100-G-A. GRCh37 (hg19) VCF-style: chr2-202073823-G-A.
Other names: c.752G>A, p.Gly251Glu (NM_001206524.2); c.824G>A, p.Gly275Glu (NM_001206542.2, NM_001230.5); c.953G>A, p.Gly318Glu (NM_032974.5); c.*39G>A (NM_032976.4); short protein forms G318E, G275E, G251E.
Identifiers: ClinVar variation 535758 (VCV000535758.16), dbSNP rs138931498, ClinGen allele CA2053148.

ClinVar aggregate classification (germline): Conflicting classifications of pathogenicity. Review status: criteria provided, conflicting classifications (1 of 4 stars). 3 submissions from 3 submitters: Uncertain significance (2); Likely benign (1). Last evaluated 2026-01-24.

Conditions:
Autoimmune lymphoproliferative syndrome type 2A (ALPS2A). Also called: CASP10-Related Autoimmune Lymphoproliferative Syndrome; AUTOIMMUNE LYMPHOPROLIFERATIVE SYNDROME, TYPE IIA; Autoimmune lymphoproliferative syndrome type 2. Identifiers: Orphanet 3261, MedGen C1858968, MONDO:0011383, OMIM 603909.

Allele frequency attached by ClinVar (database versions not stated): TOPMed 0.00015; gnomAD 0.00022; gnomAD exomes 0.00025 and 0.00027; ESP Exome Variant Server 0.00031; ExAC 0.00036.
gnomAD v4.1: 417 of 1,608,688 alleles (0.026%); highest among the groups gnomAD compares: Non-Finnish European, 0.034%; 2 homozygotes.

Submissions (3):

Labcorp Genetics (formerly Invitae), Labcorp
Classification: Uncertain significance for Autoimmune lymphoproliferative syndrome type 2A. Last evaluated: 2026-01-24. Review status: criteria provided, single submitter. Criteria: Invitae Variant Classification Sherloc (09022015). Collection method: clinical testing. Allele origin: germline.
Comment: This sequence change replaces glycine, which is neutral and non-polar, with glutamic acid, which is acidic and polar, at codon 318 of the CASP10 protein (p.Gly318Glu). This variant is present in population databases (rs138931498, gnomAD 0.06%), and has an allele count higher than expected for a pathogenic variant. This variant has not been reported in the literature in individuals affected with CASP10-related conditions. ClinVar contains an entry for this variant (Variation ID: 535758). Invitae Evidence Modeling of protein sequence and biophysical properties (such as structural, functional, and spatial information, amino acid conservation, physicochemical variation, residue mobility, and thermodynamic stability) indicates that this missense variant is not expected to disrupt CASP10 protein function with a negative predictive value of 80%. In summary, the available evidence is currently insufficient to determine the role of this variant in disease. Therefore, it has been classified as a Variant of Uncertain Significance.

Blueprint Genetics
Classification: Likely benign. Last evaluated: 2024-11-26. Review status: criteria provided, single submitter. Criteria: ACMG Guidelines, 2015. Collection method: clinical testing. Allele origin: germline.

Genetic Services Laboratory, University of Chicago
Classification: Uncertain significance. Last evaluated: 2020-07-06. Review status: criteria provided, single submitter. Criteria: ACMG Guidelines, 2015. Collection method: clinical testing. Allele origin: germline. Affected: no.
Comment: DNA sequence analysis of the CASP10 gene demonstrated a sequence change, c.953G>A, in exon 9 that results in an amino acid change, p.Gly318Glu. This sequence change does not appear to have been previously described in patients with CASP10-related disorders and has been described in the gnomAD database with a population frequency of 0.054% in the non-Finish European subpopulation (dbSNP rs138931498). The p.Gly318Glu change affects a highly conserved amino acid residue located in a domain of the CASP10 protein that is known to be functional. In-silico pathogenicity prediction tools (SIFT, PolyPhen2, Align GVGD, REVEL) provide contradictory results for the p.Gly318Glu substitution. Due to these contrasting evidences and the lack of functional studies, the clinical significance of the p.Gly318Glu change remains unknown at this time.